The following is an entry in ClinVar:

ClinVar aggregate classification (germline): Uncertain significance. Review status: criteria provided, multiple submitters, no conflicts (2 of 4 stars). 2 submissions from 2 submitters: Uncertain significance (2). Last evaluated 2025-01-13.

Conditions:
Generalized epilepsy with febrile seizures plus, type 7 (GEFSP7). Also called: GEFS+, TYPE 7. Identifiers: Orphanet 36387, MedGen C2751778, MONDO:0013470, OMIM 613863.
Neuropathy, hereditary sensory and autonomic, type 2A (HSAN2A). Also called: WNK1-Related HSAN2 (HSAN2A); MORVAN DISEASE; NEUROPATHY, CONGENITAL SENSORY; NEUROPATHY, HEREDITARY SENSORY RADICULAR, AUTOSOMAL RECESSIVE; NEUROPATHY, HEREDITARY SENSORY, TYPE IIA; NEUROPATHY, PROGRESSIVE SENSORY, OF CHILDREN. Identifiers: Orphanet 970, MedGen C2752089, MONDO:0024309, OMIM 201300.

Allele frequency attached by ClinVar (database versions not stated): gnomAD exomes below 0.00001.

Submissions (2):

Dasa
Classification: Uncertain significance. Last evaluated: 2025-01-13. Review status: criteria provided, single submitter. Criteria: DASA Assertion Criteria. Collection method: clinical testing. Allele origin: germline.
Comment: NM_001365536.1(SCN9A):c.4901T>C (p.Leu1634Pro) is a missense variant that results in the substitution of leucine with proline. This variant is rare in population databases. Computational prediction algorithms are consistent with a deleterious effect. The currently available literature and clinical evidence are not sufficient to establish a definitive association between this variant and the reported condition. Therefore, this variant is classified as a variant of uncertain significance.

Labcorp Genetics (formerly Invitae), Labcorp
Classification: Uncertain significance for Neuropathy, hereditary sensory and autonomic, type 2A; Generalized epilepsy with febrile seizures plus, type 7. Last evaluated: 2023-08-17. Review status: criteria provided, single submitter. Criteria: Invitae Variant Classification Sherloc (09022015). Collection method: clinical testing. Allele origin: germline.
Comment: In summary, the available evidence is currently insufficient to determine the role of this variant in disease. Therefore, it has been classified as a Variant of Uncertain Significance. Advanced modeling of protein sequence and biophysical properties (such as structural, functional, and spatial information, amino acid conservation, physicochemical variation, residue mobility, and thermodynamic stability) has been performed at Invitae for this missense variant, however the output from this modeling did not meet the statistical confidence thresholds required to predict the impact of this variant on SCN9A protein function. ClinVar contains an entry for this variant (Variation ID: 649653). This variant has not been reported in the literature in individuals affected with SCN9A-related conditions. This variant is present in population databases (no rsID available, gnomAD 0.006%). This sequence change replaces leucine, which is neutral and non-polar, with proline, which is neutral and non-polar, at codon 1623 of the SCN9A protein (p.Leu1623Pro).

NM_001365536.1(SCN9A):c.4901T>C (p.Leu1634Pro)

Genes: SCN1A-AS1 (SCN1A and SCN9A antisense RNA 1; plus strand), SCN9A (sodium voltage-gated channel alpha subunit 9; minus strand). Cytogenetic location: 2q24.3.
Variant type: single nucleotide variant.
Coding change: c.4901T>C on transcript NM_001365536.1 (MANE Select); coding-DNA position 4901, T replaced by C.
Protein change: p.Leu1634Pro; replaces leucine 1634 with proline.
Molecular consequence: missense variant. On other transcripts: non-coding transcript variant (1).
Genome position (GRCh38, 1-based): chr2:166,199,738, A>G on the plus strand (T>C on the coding strand, the complement: SCN9A is on the minus strand). VCF-style: chr2-166199738-A-G. GRCh37 (hg19) VCF-style: chr2-167056248-A-G.
Other names: c.4868T>C, p.Leu1623Pro (NM_002977.4); short protein forms L1623P, L1634P.
Identifiers: ClinVar variation 649653 (VCV000649653.11), dbSNP rs1352376274, ClinGen allele CA349055219.